The following is an entry in ClinVar:

NM_001039591.3(USP9X):c.4381G>A (p.Glu1461Lys)

Gene: USP9X (ubiquitin specific peptidase 9 X-linked; plus strand). Cytogenetic location: Xp11.4.
Variant type: single nucleotide variant.
Coding change: c.4381G>A on transcript NM_001039591.3 (MANE Select); coding-DNA position 4381, G replaced by A.
Protein change: p.Glu1461Lys; replaces glutamic acid 1461 with lysine.
Molecular consequence: missense variant.
Genome position (GRCh38, 1-based): chrX:41,198,528, G>A. VCF-style: chrX-41198528-G-A. GRCh37 (hg19) VCF-style: chrX-41057781-G-A.
Other names: c.4381G>A, p.Glu1461Lys (NM_001039590.3); c.4396G>A, p.Glu1466Lys (NM_001410748.1, NM_001410749.1); short protein forms E1461K, E1466K.
Identifiers: ClinVar variation 1810127 (VCV001810127.1), dbSNP rs2519316729, ClinGen allele CA412774507.

ClinVar aggregate classification (germline): Uncertain significance (1 of 4 stars; one submission).

Submission:

GeneDx
Classification: Uncertain significance. Last evaluated: 2022-06-29. Review status: criteria provided, single submitter. Criteria: GeneDx Variant Classification Process June 2021. Collection method: clinical testing. Allele origin: germline. Affected: yes.
Comment: Not observed at significant frequency in large population cohorts (gnomAD); In silico analysis supports that this missense variant has a deleterious effect on protein structure/function; Has not been previously published as pathogenic or benign to our knowledge; In silico analysis suggests this variant may impact gene splicing. In the absence of RNA/functional studies, the actual effect of this sequence change is unknown